The following is an entry in ClinVar:

NM_031310.3(PLVAP):c.634C>T (p.Gln212Ter)

Gene: PLVAP (plasmalemma vesicle associated protein; minus strand). Cytogenetic location: 19p13.11.
Variant type: single nucleotide variant.
Coding change: c.634C>T on transcript NM_031310.3 (MANE Select); coding-DNA position 634, C replaced by T.
Protein change: p.Gln212Ter; replaces glutamine 212 with a stop codon.
Molecular consequence: nonsense.
Genome position (GRCh38, 1-based): chr19:17,365,831, G>A on the plus strand (C>T on the coding strand, the complement: PLVAP is on the minus strand). VCF-style: chr19-17365831-G-A. GRCh37 (hg19) VCF-style: chr19-17476640-G-A.
Other names: short protein forms Q212*.
Identifiers: ClinVar variation 2089517 (VCV002089517.4), dbSNP rs2513229533, ClinGen allele CA404676736.
Genomic context (GRCh38, chr19:17,365,831, plus strand): 5'-TGTCCTTGTCCAGGGGCAGGCAGAGGGCTTGCACCTTTTGCAGTTGCTCCTTGGCCAGCT[G>A]GCGCTCTTGGTGCTGCAGCTCCCGGGTTTTCACGCATTCAACCAGCTGTTCCTCCGCCAC-3'

ClinVar aggregate classification (germline): Pathogenic (1 of 4 stars; one submission).

Submission:

Labcorp Genetics (formerly Invitae), Labcorp
Classification: Pathogenic. Last evaluated: 2022-10-13. Review status: criteria provided, single submitter. Criteria: Invitae Variant Classification Sherloc (09022015). Collection method: clinical testing. Allele origin: germline.
Comment: For these reasons, this variant has been classified as Pathogenic. This sequence change creates a premature translational stop signal (p.Gln212*) in the PLVAP gene. It is expected to result in an absent or disrupted protein product. Loss-of-function variants in PLVAP are known to be pathogenic (PMID: 26207260, 29661969). This variant is not present in population databases (gnomAD no frequency). This variant has not been reported in the literature in individuals affected with PLVAP-related conditions.

Literature cited by the submitters: PubMed 26207260; PubMed 29661969.